The following is an entry in ClinVar:

NM_012431.3(SEMA3E):c.511C>T (p.Pro171Ser)

Gene: SEMA3E (semaphorin 3E; minus strand). Cytogenetic location: 7q21.11.
Variant type: single nucleotide variant.
Coding change: c.511C>T on transcript NM_012431.3 (MANE Select); coding-DNA position 511, C replaced by T.
Protein change: p.Pro171Ser; replaces proline 171 with serine.
Molecular consequence: missense variant.
Genome position (GRCh38, 1-based): chr7:83,418,429, G>A on the plus strand (C>T on the coding strand, the complement: SEMA3E is on the minus strand). VCF-style: chr7-83418429-G-A. GRCh37 (hg19) VCF-style: chr7-83047745-G-A.
Other names: c.331C>T, p.Pro111Ser (NM_001178129.2); short protein forms P111S, P171S.
Identifiers: ClinVar variation 644003 (VCV000644003.15), dbSNP rs145249878, ClinGen allele CA4322322.

ClinVar aggregate classification (germline): Uncertain significance. Review status: criteria provided, multiple submitters, no conflicts (2 of 4 stars). 3 submissions from 3 submitters: Uncertain significance (2). 1 of the submissions does not count toward it. Last evaluated 2026-03-11.

Conditions:
SEMA3E-related disorder. Also called: SEMA3E-related condition.
CHARGE syndrome (CHARGE). Also called: Coloboma, heart anomaly, choanal atresia, retardation, genital and ear anomalies; CHARGE association; Hall-Hittner syndrome; Hittner Hirsch Kreh syndrome; CHARGE ASSOCIATION--COLOBOMA, HEART ANOMALY, CHOANAL ATRESIA, RETARDATION, GENITAL AND EAR ANOMALIES. Identifiers: Orphanet 138, MedGen C0265354, MONDO:0008965.
Amenorrhea. Identifiers: MedGen C0002453, MONDO:0001836, HP:0000141.

Allele frequency attached by ClinVar (database versions not stated): gnomAD 0.00007 and 0.00009; TOPMed 0.00007; ESP Exome Variant Server 0.00008; gnomAD exomes 0.00008; ExAC 0.00010.
gnomAD v4.1: 119 of 1,612,008 alleles (0.0074%); highest among the groups gnomAD compares: Non-Finnish European, 0.0076%; no homozygotes.

Submissions (3):

PreventionGenetics, part of Exact Sciences
Classification: Uncertain significance for SEMA3E-related condition. Last evaluated: 2026-03-11. Review status: criteria provided, single submitter. Criteria: ACMG Guidelines, 2015. Collection method: clinical testing. Allele origin: germline.
Comment: The SEMA3E c.511C>T variant is predicted to result in the amino acid substitution p.Pro171Ser. This variant has been reported in one individual with sepsis (Table S4, Borghesi et al. 2020. PubMed ID: 32185379) and in one individual with hypothalamic amenorrhea (Delaney et al. 2021. PubMed ID: 32870266). This variant is reported in 0.032% of alleles in individuals of European (Finnish) descent in gnomAD. At this time, the clinical significance of this variant is uncertain due to the absence of conclusive functional and genetic evidence.

Labcorp Genetics (formerly Invitae), Labcorp
Classification: Uncertain significance for CHARGE syndrome. Last evaluated: 2025-08-18. Review status: criteria provided, single submitter. Criteria: Invitae Variant Classification Sherloc (09022015). Collection method: clinical testing. Allele origin: germline.
Comment: This sequence change replaces proline, which is neutral and non-polar, with serine, which is neutral and polar, at codon 171 of the SEMA3E protein (p.Pro171Ser). This variant is present in population databases (rs145249878, gnomAD 0.03%). This variant has not been reported in the literature in individuals affected with SEMA3E-related conditions. ClinVar contains an entry for this variant (Variation ID: 644003). Invitae Evidence Modeling of protein sequence and biophysical properties (such as structural, functional, and spatial information, amino acid conservation, physicochemical variation, residue mobility, and thermodynamic stability) indicates that this missense variant is not expected to disrupt SEMA3E protein function with a negative predictive value of 80%. In summary, the available evidence is currently insufficient to determine the role of this variant in disease. Therefore, it has been classified as a Variant of Uncertain Significance.

Yale Center for Mendelian Genomics, Yale University
Classification: Uncertain significance for Amenorrhea. Last evaluated: 2021-03-08. Review status: no assertion criteria provided. Collection method: literature only. Allele origin: unknown. Affected: yes. Observed: 1 heterozygote. Study: Yale Center for Mendelian Genomics. Not counted in ClinVar's aggregate classification.

Literature cited by the submitters: PubMed 32870266 (cited by Yale Center for Mendelian Genomics, Yale University).